The following is an entry in ClinVar:

ClinVar aggregate classification (germline): Uncertain significance. Review status: criteria provided, multiple submitters, no conflicts (2 of 4 stars). 2 submissions from 2 submitters: Uncertain significance (2). Last evaluated 2024-05-28.

Conditions:
Distal hereditary motor neuropathy type 2. Identifiers: Orphanet 139525, MedGen C3711384, MeSH C580044, MONDO:0015352.

Allele frequency attached by ClinVar (database versions not stated): gnomAD exomes below 0.00001.
gnomAD v4.1: 5 of 1,604,224 alleles (0.00031%); highest among the groups gnomAD compares: Middle Eastern, 0.017%; no homozygotes.

Submissions (2):

Labcorp Genetics (formerly Invitae), Labcorp
Classification: Uncertain significance for Distal hereditary motor neuropathy type 2. Last evaluated: 2024-05-28. Review status: criteria provided, single submitter. Criteria: Invitae Variant Classification Sherloc (09022015). Collection method: clinical testing. Allele origin: germline.
Comment: This sequence change replaces methionine, which is neutral and non-polar, with valine, which is neutral and non-polar, at codon 21 of the FBXO38 protein (p.Met21Val). This variant is not present in population databases (gnomAD no frequency). This variant has not been reported in the literature in individuals affected with FBXO38-related conditions. ClinVar contains an entry for this variant (Variation ID: 809816). Advanced modeling of protein sequence and biophysical properties (such as structural, functional, and spatial information, amino acid conservation, physicochemical variation, residue mobility, and thermodynamic stability) performed at Invitae indicates that this missense variant is not expected to disrupt FBXO38 protein function with a negative predictive value of 80%. In summary, the available evidence is currently insufficient to determine the role of this variant in disease. Therefore, it has been classified as a Variant of Uncertain Significance.

CeGaT Center for Human Genetics Tuebingen
Classification: Uncertain significance. Last evaluated: 2018-10-01. Review status: criteria provided, single submitter. Criteria: CeGaT Center For Human Genetics Tuebingen Variant Classification Criteria Version 2. Collection method: clinical testing. Allele origin: germline. Affected: yes. Observed: 1 variant allele.

NM_205836.3(FBXO38):c.61A>G (p.Met21Val)

Gene: FBXO38 (F-box protein 38; plus strand). Cytogenetic location: 5q32.
Variant type: single nucleotide variant.
Coding change: c.61A>G on transcript NM_205836.3 (MANE Select); coding-DNA position 61, A replaced by G.
Protein change: p.Met21Val; replaces methionine 21 with valine.
Molecular consequence: missense variant.
Genome position (GRCh38, 1-based): chr5:148,394,837, A>G. VCF-style: chr5-148394837-A-G. GRCh37 (hg19) VCF-style: chr5-147774400-A-G.
Other names: c.61A>G, p.Met21Val (NM_001271723.2, NM_030793.5); short protein forms M21V.
Identifiers: ClinVar variation 809816 (VCV000809816.48), dbSNP rs1581225783, ClinGen allele CA361653662.